The following is an entry in ClinVar:

ClinVar aggregate classification (germline): Uncertain significance. Review status: criteria provided, multiple submitters, no conflicts (2 of 4 stars). 2 submissions from 2 submitters: Uncertain significance (2). Last evaluated 2024-06-28.

Conditions:
Cardiovascular phenotype. Identifiers: MedGen CN230736.

Allele frequency attached by ClinVar (database versions not stated): gnomAD exomes below 0.00001; gnomAD 0.00001; TOPMed 0.00001.

Submissions (2):

Ambry Genetics
Classification: Uncertain significance for Cardiovascular phenotype. Last evaluated: 2024-06-28. Review status: criteria provided, single submitter. Criteria: Ambry Variant Classification Scheme 2023. Collection method: clinical testing. Allele origin: germline.
Comment: The p.E517Q variant (also known as c.1549G>C), located in coding exon 6 of the KCND3 gene, results from a G to C substitution at nucleotide position 1549. The glutamic acid at codon 517 is replaced by glutamine, an amino acid with highly similar properties. This amino acid position is well conserved in available vertebrate species. In addition, this alteration is predicted to be tolerated by in silico analysis. Based on the available evidence, the clinical significance of this variant remains unclear.

Athena Diagnostics
Classification: Uncertain significance. Last evaluated: 2018-12-21. Review status: criteria provided, single submitter. Criteria: Athena Diagnostics Criteria. Collection method: clinical testing. Allele origin: germline.

NM_001378969.1(KCND3):c.1549G>C (p.Glu517Gln)

Gene: KCND3 (potassium voltage-gated channel subfamily D member 3; minus strand). Cytogenetic location: 1p13.2.
Variant type: single nucleotide variant.
Coding change: c.1549G>C on transcript NM_001378969.1 (MANE Select); coding-DNA position 1549, G replaced by C.
Protein change: p.Glu517Gln; replaces glutamic acid 517 with glutamine.
Molecular consequence: missense variant.
Genome position (GRCh38, 1-based): chr1:111,777,243, C>G on the plus strand (G>C on the coding strand, the complement: KCND3 is on the minus strand). VCF-style: chr1-111777243-C-G. GRCh37 (hg19) VCF-style: chr1-112319865-C-G.
Other names: c.1492G>C, p.Glu498Gln (NM_001378970.1, NM_172198.3); c.1549G>C, p.Glu517Gln (NM_004980.5); short protein forms E517Q, E498Q.
Identifiers: ClinVar variation 804953 (VCV000804953.2), dbSNP rs202110939, ClinGen allele CA28897220.
Genomic context (GRCh38, chr1:111,777,243, plus strand): 5'-ACAGTGAGGGACTTCTTGTGGATGGGTAGTTCTGCATTGAACTCTCCATGCAGTTCTGCT[C>G]AAACATCTGCTCATCAATAAACTCGTGGTTCTGCGGGAGGCAGAAGGAGAAGAAGTAGGA-3'
Protein context (NP_001365898.1, residues 507-527): NHEFIDEQMF[Glu517Gln]QNCMESSMQN